The following is an entry in ClinVar:

ClinVar aggregate classification (germline): Pathogenic (1 of 4 stars; one submission).

Submission:

Labcorp Genetics (formerly Invitae), Labcorp
Classification: Pathogenic. Last evaluated: 2023-01-20. Review status: criteria provided, single submitter. Criteria: Invitae Variant Classification Sherloc (09022015). Collection method: clinical testing. Allele origin: germline.
Comment: For these reasons, this variant has been classified as Pathogenic. This variant has not been reported in the literature in individuals affected with VPS13A-related conditions. This variant is not present in population databases (gnomAD no frequency). This sequence change creates a premature translational stop signal (p.Leu1200Serfs*13) in the VPS13A gene. It is expected to result in an absent or disrupted protein product. Loss-of-function variants in VPS13A are known to be pathogenic (PMID: 12404112, 21598378).

Literature cited by the submitters: PubMed 12404112; PubMed 21598378.

NM_033305.3(VPS13A):c.3597_3598insT (p.Leu1200fs)

Gene: VPS13A (vacuolar protein sorting 13 homolog A; plus strand). Cytogenetic location: 9q21.2.
Variant type: Insertion.
Coding change: c.3597_3598insT on transcript NM_033305.3 (MANE Select); coding-DNA positions 3597 to 3598, T inserted.
Protein change: p.Leu1200fs; shifts the reading frame from leucine 1200.
Molecular consequence: frameshift variant.
Genome position: GRCh38 VCF-style: chr9-77295631-A-AT. GRCh37 (hg19) VCF-style: chr9-79910547-A-AT.
Other names: c.3480_3481insT, p.Leu1161fs (NM_001018037.2); c.3597_3598insT, p.Leu1200fs (NM_001018038.3, NM_015186.4); short protein forms L1161fs, L1200fs.
Identifiers: ClinVar variation 2830346 (VCV002830346.3), dbSNP rs2537896293, ClinGen allele CA2739269300.